The following is an entry in ClinVar:

NM_004006.3(DMD):c.4621C>G (p.Leu1541Val)

Gene: DMD (dystrophin; minus strand). Cytogenetic location: Xp21.1.
Variant type: single nucleotide variant.
Coding change: c.4621C>G on transcript NM_004006.3 (MANE Select); coding-DNA position 4621, C replaced by G.
Protein change: p.Leu1541Val; replaces leucine 1541 with valine.
Molecular consequence: missense variant.
Genome position (GRCh38, 1-based): chrX:32,386,363, G>C on the plus strand (C>G on the coding strand, the complement: DMD is on the minus strand). VCF-style: chrX-32386363-G-C. GRCh37 (hg19) VCF-style: chrX-32404480-G-C.
Other names: c.4597C>G, p.Leu1533Val (NM_000109.4); c.4609C>G, p.Leu1537Val (NM_004009.3); c.4252C>G, p.Leu1418Val (NM_004010.3); c.598C>G, p.Leu200Val (NM_004011.4); c.589C>G, p.Leu197Val (NM_004012.4); short protein forms L1537V, L200V, L1418V, L197V, L1533V, L1541V.
Identifiers: ClinVar variation 4826528 (VCV004826528.1).

ClinVar aggregate classification (germline): Uncertain significance (1 of 4 stars; one submission).

Conditions:
Cardiovascular phenotype. Identifiers: MedGen CN230736.

Submission:

Ambry Genetics
Classification: Uncertain significance for Cardiovascular phenotype. Last evaluated: 2026-02-22. Review status: criteria provided, single submitter. Criteria: Ambry Variant Classification Scheme 2023. Collection method: clinical testing. Allele origin: germline.
Comment: The p.L1541V variant (also known as c.4621C>G), located in coding exon 33 of the DMD gene, results from a C to G substitution at nucleotide position 4621. The leucine at codon 1541 is replaced by valine, an amino acid with highly similar properties. This amino acid position is conserved. In addition, this alteration is predicted to be tolerated by in silico analysis. Based on the available evidence, the clinical significance of this variant remains unclear.